The following is an entry in ClinVar:

NM_018417.6(ADCY10):c.3812G>T (p.Trp1271Leu)

Gene: ADCY10 (adenylate cyclase 10; minus strand). Cytogenetic location: 1q24.2.
Variant type: single nucleotide variant.
Coding change: c.3812G>T on transcript NM_018417.6 (MANE Select); coding-DNA position 3812, G replaced by T.
Protein change: p.Trp1271Leu; replaces tryptophan 1271 with leucine.
Molecular consequence: missense variant.
Genome position (GRCh38, 1-based): chr1:167,824,794, C>A on the plus strand (G>T on the coding strand, the complement: ADCY10 is on the minus strand). VCF-style: chr1-167824794-C-A. GRCh37 (hg19) VCF-style: chr1-167794032-C-A.
Other names: c.3353G>T, p.Trp1118Leu (NM_001167749.3); c.3536G>T, p.Trp1179Leu (NM_001297772.2); c.3812G>T (NM_018417.5); short protein forms W1271L, W1118L, W1179L.
Identifiers: ClinVar variation 2115391 (VCV002115391.5), dbSNP rs752702356, ClinGen allele CA343099598.
Genomic context (GRCh38, chr1:167,824,794, plus strand): 5'-CCCTCGCCTTTCAGGGGGAGGTTGAAGATGTGCTCCATGGCCATGACTTCATATTTGAAC[C>A]ACACACCTTTGTAGCCAGCCAGGTGGTGGTATAGCGAATAGTCTAGGTAAGCCTTAATGA-3'
Protein context (NP_060887.2, residues 1261-1281): YHHLAGYKGV[Trp1271Leu]FKYEVMAMEH

ClinVar aggregate classification (germline): Uncertain significance. Review status: criteria provided, multiple submitters, no conflicts (2 of 4 stars). 2 submissions from 2 submitters: Uncertain significance (2). Last evaluated 2025-02-17.

Conditions:
ADCY10-related disorder. Also called: ADCY10-related condition.

Allele frequency attached by ClinVar (database versions not stated): TOPMed below 0.00001.
gnomAD v4.1: 3 of 1,614,230 alleles (0.00019%); highest among the groups gnomAD compares: Non-Finnish European, 0.00025%; no homozygotes.

Submissions (2):

PreventionGenetics, part of Exact Sciences
Classification: Uncertain significance for ADCY10-related condition. Last evaluated: 2025-02-17. Review status: criteria provided, single submitter. Criteria: ACMG Guidelines, 2015. Collection method: clinical testing. Allele origin: germline.
Comment: The ADCY10 c.3812G>T variant is predicted to result in the amino acid substitution p.Trp1271Leu. To our knowledge, this variant has not been reported in the literature or in a large population database (gnomAD), indicating this variant is rare. At this time, the clinical significance of this variant is uncertain due to the absence of conclusive functional and genetic evidence.

Labcorp Genetics (formerly Invitae), Labcorp
Classification: Uncertain significance. Last evaluated: 2022-05-01. Review status: criteria provided, single submitter. Criteria: Invitae Variant Classification Sherloc (09022015). Collection method: clinical testing. Allele origin: germline.
Comment: In summary, the available evidence is currently insufficient to determine the role of this variant in disease. Therefore, it has been classified as a Variant of Uncertain Significance. Algorithms developed to predict the effect of missense changes on protein structure and function are either unavailable or do not agree on the potential impact of this missense change (SIFT: "Deleterious"; PolyPhen-2: "Probably Damaging"; Align-GVGD: "Class C0"). This variant has not been reported in the literature in individuals affected with ADCY10-related conditions. This variant is not present in population databases (gnomAD no frequency). This sequence change replaces tryptophan, which is neutral and slightly polar, with leucine, which is neutral and non-polar, at codon 1271 of the ADCY10 protein (p.Trp1271Leu).